The following is an entry in ClinVar:

ClinVar aggregate classification (germline): Uncertain significance (1 of 4 stars; one submission).

Allele frequency attached by ClinVar (database versions not stated): gnomAD exomes below 0.00001; ExAC 0.00001; gnomAD 0.00001; 1000 Genomes Project 0.00020; 1000 Genomes Project 30x 0.00031.
gnomAD v4.1: 2 of 1,610,364 alleles (0.00012%); highest among the groups gnomAD compares: African/African-American, 0.0013%; no homozygotes.

Submission:

Labcorp Genetics (formerly Invitae), Labcorp
Classification: Uncertain significance. Last evaluated: 2022-05-23. Review status: criteria provided, single submitter. Criteria: Invitae Variant Classification Sherloc (09022015). Collection method: clinical testing. Allele origin: germline.
Comment: This sequence change replaces proline, which is neutral and non-polar, with serine, which is neutral and polar, at codon 1758 of the KIAA1549 protein (p.Pro1758Ser). In summary, the available evidence is currently insufficient to determine the role of this variant in disease. Therefore, it has been classified as a Variant of Uncertain Significance. Algorithms developed to predict the effect of missense changes on protein structure and function (SIFT, PolyPhen-2, Align-GVGD) all suggest that this variant is likely to be disruptive. This variant has not been reported in the literature in individuals affected with KIAA1549-related conditions. This variant is present in population databases (rs542804489, gnomAD 0.007%).

NM_001164665.2(KIAA1549):c.5272C>T (p.Pro1758Ser)

Gene: KIAA1549 (KIAA1549; minus strand). Cytogenetic location: 7q34.
Variant type: single nucleotide variant.
Coding change: c.5272C>T on transcript NM_001164665.2 (MANE Select); coding-DNA position 5272, C replaced by T.
Protein change: p.Pro1758Ser; replaces proline 1758 with serine.
Molecular consequence: missense variant.
Genome position (GRCh38, 1-based): chr7:138,852,245, G>A on the plus strand (C>T on the coding strand, the complement: KIAA1549 is on the minus strand). VCF-style: chr7-138852245-G-A. GRCh37 (hg19) VCF-style: chr7-138536991-G-A.
Other names: c.5272C>T, p.Pro1758Ser (NM_020910.3); short protein forms P1758S.
Identifiers: ClinVar variation 1997352 (VCV001997352.4), dbSNP rs542804489, ClinGen allele CA4505616.
Genomic context (GRCh38, chr7:138,852,245, plus strand): 5'-TGAGAAAGTGATAATACATTTTGTTTTGAAAACCTTACCTTGGCAATGGACCCGTCGGGG[G>A]AGTCATTCCATAGTCTTCGTATCTCTGGAAGACATACAAAAGAACATGAAGATTAATATT-3'
Protein context (NP_001158137.1, residues 1748-1768): CSRYEDYGMT[Pro1758Ser]PTGPLPRPGF